The following is an entry in ClinVar:

ClinVar aggregate classification (germline): Conflicting classifications of pathogenicity. Review status: criteria provided, conflicting classifications (1 of 4 stars). 4 submissions from 4 submitters: Uncertain significance (2); Benign (1); Likely benign (1). Last evaluated 2025-12-14.

Conditions:
Renal cell carcinoma. Identifiers: Orphanet 217071, MedGen C0007134, MeSH D002292, MONDO:0005086, HP:0005584.
Hereditary cancer-predisposing syndrome. Also called: Tumor predisposition; Hereditary Cancer Syndrome; Hereditary neoplastic syndrome; Neoplastic Syndromes, Hereditary. Identifiers: Orphanet 140162, MedGen C0027672, MeSH D009386, MONDO:0015356.

Allele frequency attached by ClinVar (database versions not stated): ExAC 0.00001; gnomAD 0.00001; TOPMed 0.00001.
gnomAD v4.1: 4 of 1,613,548 alleles (0.00025%); highest among the groups gnomAD compares: African/African-American, 0.0053%; no homozygotes.

Submissions (4):

Labcorp Genetics (formerly Invitae), Labcorp
Classification: Likely benign for Renal cell carcinoma. Last evaluated: 2025-12-14. Review status: criteria provided, single submitter. Criteria: Invitae Variant Classification Sherloc (09022015). Collection method: clinical testing. Allele origin: germline.

Ambry Genetics
Classification: Benign for Hereditary cancer-predisposing syndrome. Last evaluated: 2024-11-05. Review status: criteria provided, single submitter. Criteria: Ambry Variant Classification Scheme 2023. Collection method: clinical testing. Allele origin: germline.

GeneDx
Classification: Uncertain significance. Last evaluated: 2019-09-04. Review status: criteria provided, single submitter. Criteria: GeneDx Variant Classification Process June 2021. Collection method: clinical testing. Allele origin: germline. Affected: yes.
Comment: Not observed at a significant frequency in large population cohorts (Lek et al., 2016); In silico analysis, which includes protein predictors and evolutionary conservation, supports that this variant does not alter protein structure/function; Has not been previously published as pathogenic or benign to our knowledge

CeGaT Center for Human Genetics Tuebingen
Classification: Uncertain significance. Last evaluated: 2018-08-01. Review status: criteria provided, single submitter. Criteria: CeGaT Center For Human Genetics Tuebingen Variant Classification Criteria Version 2. Collection method: clinical testing. Allele origin: germline. Affected: yes. Observed: 2 variant alleles.

NM_000245.4(MET):c.974C>T (p.Pro325Leu)

Gene: MET (MET proto-oncogene, receptor tyrosine kinase; plus strand). Cytogenetic location: 7q31.2.
Variant type: single nucleotide variant.
Coding change: c.974C>T on transcript NM_000245.4 (MANE Select); coding-DNA position 974, C replaced by T.
Protein change: p.Pro325Leu; replaces proline 325 with leucine.
Molecular consequence: missense variant. On other transcripts: intron variant (1).
Genome position (GRCh38, 1-based): chr7:116,700,058, C>T. VCF-style: chr7-116700058-C-T. GRCh37 (hg19) VCF-style: chr7-116340112-C-T.
Other names: c.974C>T, p.Pro325Leu (NM_001127500.3, NM_001324401.3); c.-91+27481C>T (NM_001324402.2); short protein forms P325L.
Identifiers: ClinVar variation 578658 (VCV000578658.53), dbSNP rs780802614, ClinGen allele CA4448052.
Genomic context (GRCh38, chr7:116,700,058, plus strand): 5'-AAAAGAGATCCACAAAGAAGGAAGTGTTTAATATACTTCAGGCTGCGTATGTCAGCAAGC[C>T]TGGGGCCCAGCTTGCTAGACAAATAGGAGCCAGCCTGAATGATGACATTCTTTTCGGGGT-3'
Protein context (NP_000236.2, residues 315-335): NILQAAYVSK[Pro325Leu]GAQLARQIGA